The following is an entry in ClinVar:

ClinVar aggregate classification (germline): Uncertain significance (1 of 4 stars; one submission).

Conditions:
Inborn genetic diseases. Identifiers: MedGen C0950123, MeSH D030342.

Submission:

Ambry Genetics
Classification: Uncertain significance for Inborn genetic diseases. Last evaluated: 2025-07-18. Review status: criteria provided, single submitter. Criteria: Ambry Variant Classification Scheme 2023. Collection method: clinical testing. Allele origin: germline.
Comment: The p.N156S variant (also known as c.467A>G), located in coding exon 5 of the ETV6 gene, results from an A to G substitution at nucleotide position 467. The asparagine at codon 156 is replaced by serine, an amino acid with highly similar properties. This amino acid position is conserved. In addition, this alteration is predicted to be tolerated by in silico analysis. Based on the available evidence, the clinical significance of this variant remains unclear.

NM_001987.5(ETV6):c.467A>G (p.Asn156Ser)

Gene: ETV6 (ETS variant transcription factor 6; plus strand). Cytogenetic location: 12p13.2.
Variant type: single nucleotide variant.
Coding change: c.467A>G on transcript NM_001987.5 (MANE Select); coding-DNA position 467, A replaced by G.
Protein change: p.Asn156Ser; replaces asparagine 156 with serine.
Molecular consequence: missense variant.
Genome position (GRCh38, 1-based): chr12:11,869,427, A>G. VCF-style: chr12-11869427-A-G. GRCh37 (hg19) VCF-style: chr12-12022361-A-G.
Other names: c.464A>G, p.Asn155Ser (NM_001413913.1); c.440A>G, p.Asn147Ser (NM_001413914.1); c.203A>G, p.Asn68Ser (NM_001413915.1); c.467A>G, p.Asn156Ser (NM_001413916.1, NM_001413917.1); short protein forms N147S, N155S, N68S, N156S.
Identifiers: ClinVar variation 4251454 (VCV004251454.1).
Genomic context (GRCh38, chr12:11,869,427, plus strand): 5'-GTTTCCTGTCCTGCCAACTCACTGGGGTCTGTGATTGTCTTTCCCTCTGCTCCACAGATA[A>G]CTGTGTCCAGAGGACCCCCAGGCCATCCGTGGATAATGTGCACCATAACCCTCCCACCAT-3'
Protein context (NP_001978.1, residues 146-166): VILHQNHEED[Asn156Ser]CVQRTPRPSV